The following is an entry in ClinVar:

NM_015910.7(WDPCP):c.654C>T (p.Pro218=)

Gene: WDPCP (WD repeat containing planar cell polarity effector; minus strand). Cytogenetic location: 2p15.
Variant type: single nucleotide variant.
Coding change: c.654C>T on transcript NM_015910.7 (MANE Select); coding-DNA position 654, C replaced by T.
Protein change: p.Pro218=; no amino-acid change (proline 218 retained).
Molecular consequence: synonymous variant. On other transcripts: non-coding transcript variant (3).
Genome position (GRCh38, 1-based): chr2:63,433,916, G>A on the plus strand (C>T on the coding strand, the complement: WDPCP is on the minus strand). VCF-style: chr2-63433916-G-A. GRCh37 (hg19) VCF-style: chr2-63661050-G-A.
Other names: c.654C>T (NM_015910.5); c.177C>T, p.Pro59= (NM_001042692.3); c.582C>T, p.Pro194= (NM_001354044.2); c.654C>T, p.Pro218= (NM_001354045.2).
Identifiers: ClinVar variation 1093713 (VCV001093713.12), dbSNP rs375737055, ClinGen allele CA1682380.
Genomic context (GRCh38, chr2:63,433,916, plus strand): 5'-AACTCTATCATGAACACAGTTGATAGCTAGATGTCGCTCTGTTGTCTTGTTTATTGGGCC[G>A]GGTATTTCATAATAGAAAATCTAACAATTTTAAAAAAGCATACATGAAACATTTCTTTTA-3'
Protein context (NP_056994.3, residues 208-228): LDYKIFYYEI[Pro218=]GPINKTTERH

ClinVar aggregate classification (germline): Likely benign. Review status: criteria provided, multiple submitters, no conflicts (2 of 4 stars). 3 submissions from 3 submitters: Likely benign (2). 1 of the submissions does not count toward it. Last evaluated 2025-12-06.

Conditions:
Bardet-Biedl syndrome (BBS). Identifiers: Orphanet 110, MedGen C0752166, MONDO:0015229.
WDPCP-related disorder. Also called: WDPCP-related condition.
Heart defect - tongue hamartoma - polysyndactyly syndrome. Also called: Congenital heart defects, hamartomas of tongue, and polysyndactyly. Identifiers: Orphanet 1338, MedGen C1857587, MONDO:0009008, OMIM 217085.
Bardet-Biedl syndrome 15 (BBS15). Identifiers: Orphanet 110, MedGen C3150127, MONDO:0014443, OMIM 615992.

Allele frequency attached by ClinVar (database versions not stated): gnomAD 0.00001 and 0.00002; gnomAD exomes 0.00002 and 0.00005; ExAC 0.00005; TOPMed 0.00005; ESP Exome Variant Server 0.00008.
gnomAD v4.1: 29 of 1,613,458 alleles (0.0018%); highest among the groups gnomAD compares: Admixed American, 0.015%; no homozygotes.

Submissions (3):

Labcorp Genetics (formerly Invitae), Labcorp
Classification: Likely benign for Bardet-Biedl syndrome. Last evaluated: 2025-12-06. Review status: criteria provided, single submitter. Criteria: Invitae Variant Classification Sherloc (09022015). Collection method: clinical testing. Allele origin: germline.

Fulgent Genetics
Classification: Likely benign for Heart defect - tongue hamartoma - polysyndactyly syndrome; Bardet-Biedl syndrome 15. Last evaluated: 2021-12-22. Review status: criteria provided, single submitter. Criteria: ACMG Guidelines, 2015. Collection method: clinical testing. Allele origin: unknown.

PreventionGenetics, part of Exact Sciences
Classification: Likely benign for WDPCP-related condition. Last evaluated: 2020-11-16. Review status: no assertion criteria provided. Collection method: clinical testing. Allele origin: germline. Not counted in ClinVar's aggregate classification.
Comment: This variant is classified as likely benign based on ACMG/AMP sequence variant interpretation guidelines (Richards et al. 2015 PMID: 25741868, with internal and published modifications).